The following is an entry in ClinVar:

ClinVar aggregate classification (germline): Uncertain significance (1 of 4 stars; one submission).

Submission:

Labcorp Genetics (formerly Invitae), Labcorp
Classification: Uncertain significance. Last evaluated: 2024-10-02. Review status: criteria provided, single submitter. Criteria: Invitae Variant Classification Sherloc (09022015). Collection method: clinical testing. Allele origin: germline.
Comment: This sequence change replaces lysine, which is basic and polar, with asparagine, which is neutral and polar, at codon 1282 of the CACNA1D protein (p.Lys1282Asn). This variant also falls at the last nucleotide of exon 30, which is part of the consensus splice site for this exon. This variant is not present in population databases (gnomAD no frequency). This variant has not been reported in the literature in individuals affected with CACNA1D-related conditions. An algorithm developed to predict the effect of missense changes on protein structure and function (PolyPhen-2) suggests that this variant is likely to be tolerated. Variants that disrupt the consensus splice site are a relatively common cause of aberrant splicing (PMID: 17576681, 9536098). In summary, the available evidence is currently insufficient to determine the role of this variant in disease. Therefore, it has been classified as a Variant of Uncertain Significance.

Literature cited by the submitters: PubMed 17576681; PubMed 9536098.

NM_001128840.3(CACNA1D):c.3786G>C (p.Lys1262Asn)

Gene: CACNA1D (calcium voltage-gated channel subunit alpha1 D; plus strand). Cytogenetic location: 3p21.1.
Variant type: single nucleotide variant.
Coding change: c.3786G>C on transcript NM_001128840.3 (MANE Select); coding-DNA position 3786, G replaced by C.
Protein change: p.Lys1262Asn; replaces lysine 1262 with asparagine.
Molecular consequence: missense variant.
Genome position (GRCh38, 1-based): chr3:53,753,682, G>C. VCF-style: chr3-53753682-G-C. GRCh37 (hg19) VCF-style: chr3-53787709-G-C.
Other names: c.3846G>C, p.Lys1282Asn (NM_000720.4); c.3786G>C, p.Lys1262Asn (NM_001128839.3); short protein forms K1262N, K1282N.
Identifiers: ClinVar variation 3722041 (VCV003722041.2).